The following is an entry in ClinVar:

ClinVar aggregate classification (germline): Benign. Review status: criteria provided, multiple submitters, no conflicts (2 of 4 stars). 2 submissions from 2 submitters: Benign (2). Last evaluated 2018-01-13.

Conditions:
Hermansky-Pudlak syndrome 1 (HPS1). Also called: DELTA STORAGE POOL DISEASE. Identifiers: Orphanet 231500, Orphanet 79430, MedGen C2931875, MONDO:0008748, OMIM 203300.

Allele frequency attached by ClinVar (database versions not stated): gnomAD exomes 0.40217; gnomAD 0.45933 and 0.46198; TOPMed 0.47696; 1000 Genomes Project 30x 0.56715; 1000 Genomes Project 0.57228.
gnomAD v4.1: 70,163 of 152,282 alleles (46%); highest among the groups gnomAD compares: African/African-American, 69%; 18,087 homozygotes.

Submissions (2):

Illumina Laboratory Services, Illumina
Classification: Benign for Hermansky-Pudlak syndrome 1. Last evaluated: 2018-01-13. Review status: criteria provided, single submitter. Criteria: ICSL Variant Classification Criteria 13 December 2019. Collection method: clinical testing. Allele origin: germline.
Comment: This variant was observed in the ICSL laboratory as part of a predisposition screen in an ostensibly healthy population. It had not been previously curated by ICSL or reported in the Human Gene Mutation Database (HGMD: prior to June 1st, 2018), and was therefore a candidate for classification through an automated scoring system. Utilizing variant allele frequency, disease prevalence and penetrance estimates, and inheritance mode, an automated score was calculated to assess if this variant is too frequent to cause the disease. Based on the score and internal cut-off values, a variant classified as benign is not then subjected to further curation. The score for this variant resulted in a classification of benign for this disease.

Breakthrough Genomics
Classification: Benign. Review status: criteria provided, single submitter. Criteria: ACMG Guidelines, 2015. Collection method: not provided. Allele origin: germline. Inheritance: Autosomal recessive inheritance. Affected: yes.

NM_000195.5(HPS1):c.*982T>C

Gene: HPS1 (HPS1 biogenesis of lysosomal organelles complex 3 subunit 1; minus strand). Cytogenetic location: 10q24.2.
Variant type: single nucleotide variant.
Coding change: c.*982T>C on transcript NM_000195.5 (MANE Select); 982 bases downstream of the stop codon, T replaced by C.
Molecular consequence: 3 prime UTR variant.
Genome position (GRCh38, 1-based): chr10:98,416,582, A>G on the plus strand (T>C on the coding strand, the complement: HPS1 is on the minus strand). VCF-style: chr10-98416582-A-G. GRCh37 (hg19) VCF-style: chr10-100176339-A-G.
Other names: c.*982T>C (NM_001311345.2, NM_001322476.2, NM_001322477.2 and 10 more transcripts).
Identifiers: ClinVar variation 298314 (VCV000298314.6), dbSNP rs1739, ClinGen allele CA10636644.